The following is an entry in ClinVar:

ClinVar aggregate classification (germline): Pathogenic (1 of 4 stars; one submission).

Conditions:
Osteogenesis imperfecta type I (OI1). Also called: Lobstein's Disease; Lobstein disease; OI, TYPE I; OSTEOGENESIS IMPERFECTA TARDA; OSTEOGENESIS IMPERFECTA WITH BLUE SCLERAE; Osteogenesis imperfecta type 1. Identifiers: Orphanet 216796, Orphanet 666, MedGen C0023931, MONDO:0008146, OMIM 166200. Disease mechanism: loss of function.

Submission:

Labcorp Genetics (formerly Invitae), Labcorp
Classification: Pathogenic for Osteogenesis imperfecta type I. Last evaluated: 2023-08-10. Review status: criteria provided, single submitter. Criteria: Invitae Variant Classification Sherloc (09022015). Collection method: clinical testing. Allele origin: germline.
Comment: This sequence change creates a premature translational stop signal (p.Gly476Argfs*17) in the COL1A1 gene. It is expected to result in an absent or disrupted protein product. Loss-of-function variants in COL1A1 are known to be pathogenic (PMID: 7942841, 9295084, 9443882). This variant is not present in population databases (gnomAD no frequency). This variant has not been reported in the literature in individuals affected with COL1A1-related conditions. For these reasons, this variant has been classified as Pathogenic.

Literature cited by the submitters: PubMed 7942841; PubMed 9295084; PubMed 9443882.

NM_000088.4(COL1A1):c.1425dup (p.Gly476fs)

Gene: COL1A1 (collagen type I alpha 1 chain; minus strand). Cytogenetic location: 17q21.33.
Variant type: Duplication.
Coding change: c.1425dup on transcript NM_000088.4 (MANE Select); coding-DNA position 1425, one base duplicated (C; older notation c.1425dupC).
Protein change: p.Gly476fs; shifts the reading frame from glycine 476.
Molecular consequence: frameshift variant.
Genome position (GRCh38, 1-based): chr17:50,194,757, G duplicated on the plus strand (C on the coding strand, the reverse complement: COL1A1 is on the minus strand); the first of 3 consecutive G bases (chr17:50,194,757-50,194,759); duplicating any one gives the same sequence. VCF-style (leftmost placement, unchanged base first): chr17-50194756-C-CG. GRCh37 (hg19) VCF-style: chr17-48272117-C-CG.
Other names: short protein forms G476fs.
Identifiers: ClinVar variation 2751675 (VCV002751675.3), dbSNP rs2509222184, ClinGen allele CA2697560410.